The following is an entry in ClinVar:

ClinVar aggregate classification (germline): Uncertain significance (1 of 4 stars; one submission).

Conditions:
Cardiovascular phenotype. Identifiers: MedGen CN230736.

Submission:

Ambry Genetics
Classification: Uncertain significance for Cardiovascular phenotype. Last evaluated: 2026-06-27. Review status: criteria provided, single submitter. Criteria: Ambry Variant Classification Scheme 2023. Collection method: clinical testing. Allele origin: germline.
Comment: The p.D613V variant (also known as c.1838A>T), located in coding exon 27 of the COL1A1 gene, results from an A to T substitution at nucleotide position 1838. The aspartic acid at codon 613 is replaced by valine, an amino acid with highly dissimilar properties. This amino acid position is conserved. In addition, this alteration is predicted to be deleterious by in silico analysis. Based on the available evidence, the clinical significance of this variant remains unclear.

NM_000088.4(COL1A1):c.1838A>T (p.Asp613Val)

Gene: COL1A1 (collagen type I alpha 1 chain; minus strand). Cytogenetic location: 17q21.33.
Variant type: single nucleotide variant.
Coding change: c.1838A>T on transcript NM_000088.4 (MANE Select); coding-DNA position 1838, A replaced by T.
Protein change: p.Asp613Val; replaces aspartic acid 613 with valine.
Molecular consequence: missense variant.
Genome position (GRCh38, 1-based): chr17:50,192,834, T>A on the plus strand (A>T on the coding strand, the complement: COL1A1 is on the minus strand). VCF-style: chr17-50192834-T-A. GRCh37 (hg19) VCF-style: chr17-48270195-T-A.
Other names: short protein forms D613V.
Identifiers: ClinVar variation 5034697 (VCV005034697.1).